The following is an entry in ClinVar:

NM_007317.3(KIF22):c.724C>T (p.Arg242Cys)

Gene: KIF22 (kinesin family member 22; plus strand). Cytogenetic location: 16p11.2.
Variant type: single nucleotide variant.
Coding change: c.724C>T on transcript NM_007317.3 (MANE Select); coding-DNA position 724, C replaced by T.
Protein change: p.Arg242Cys; replaces arginine 242 with cysteine.
Molecular consequence: missense variant.
Genome position (GRCh38, 1-based): chr16:29,799,149, C>T. VCF-style: chr16-29799149-C-T. GRCh37 (hg19) VCF-style: chr16-29810470-C-T.
Other names: c.520C>T, p.Arg174Cys (NM_001256269.2, NM_001256270.1); short protein forms R242C, R174C.
Identifiers: ClinVar variation 3021517 (VCV003021517.3), dbSNP rs768035064, ClinGen allele CA7993066.

ClinVar aggregate classification (germline): Uncertain significance (1 of 4 stars; one submission).

Allele frequency attached by ClinVar (database versions not stated): ExAC 0.00001; gnomAD exomes 0.00001.
gnomAD v4.1: 10 of 1,613,990 alleles (0.00062%); highest among the groups gnomAD compares: South Asian, 0.0022%; no homozygotes.

Submission:

Labcorp Genetics (formerly Invitae), Labcorp
Classification: Uncertain significance. Last evaluated: 2023-03-02. Review status: criteria provided, single submitter. Criteria: Invitae Variant Classification Sherloc (09022015). Collection method: clinical testing. Allele origin: germline.
Comment: Advanced modeling of protein sequence and biophysical properties (such as structural, functional, and spatial information, amino acid conservation, physicochemical variation, residue mobility, and thermodynamic stability) performed at Invitae indicates that this missense variant is expected to disrupt KIF22 protein function. This sequence change replaces arginine, which is basic and polar, with cysteine, which is neutral and slightly polar, at codon 242 of the KIF22 protein (p.Arg242Cys). This variant is present in population databases (rs768035064, gnomAD 0.007%). This variant has not been reported in the literature in individuals affected with KIF22-related conditions. In summary, the available evidence is currently insufficient to determine the role of this variant in disease. Therefore, it has been classified as a Variant of Uncertain Significance.